The following is an entry in ClinVar:

NM_024537.4(CARS2):c.126G>C (p.Trp42Cys)

Genes: CARS2 (cysteinyl-tRNA synthetase 2, mitochondrial; minus strand), LOC130010127 (ATAC-STARR-seq lymphoblastoid silent region 5509; plus strand). Cytogenetic location: 13q34.
Variant type: single nucleotide variant.
Coding change: c.126G>C on transcript NM_024537.4 (MANE Select); coding-DNA position 126, G replaced by C.
Protein change: p.Trp42Cys; replaces tryptophan 42 with cysteine.
Molecular consequence: missense variant. On other transcripts: non-coding transcript variant (1), intron variant (1).
Genome position (GRCh38, 1-based): chr13:110,705,968, C>G on the plus strand (G>C on the coding strand, the complement: CARS2 is on the minus strand). VCF-style: chr13-110705968-C-G. GRCh37 (hg19) VCF-style: chr13-111358315-C-G.
Other names: c.126G>C, p.Trp42Cys (NM_001352253.3); c.-775-397G>C (NM_001352252.2); short protein forms W42C.
Identifiers: ClinVar variation 1043837 (VCV001043837.9), dbSNP rs1019467802, ClinGen allele CA256331063.

ClinVar aggregate classification (germline): Uncertain significance (1 of 4 stars; one submission).

Conditions:
Combined oxidative phosphorylation defect type 27. Also called: Combined oxidative phosphorylation deficiency 27. Identifiers: Orphanet 477774, MedGen C5567608, MONDO:0014728, OMIM 616672.

Allele frequency attached by ClinVar (database versions not stated): TOPMed below 0.00001; gnomAD 0.00001; gnomAD exomes 0.00001.
gnomAD v4.1: 9 of 1,522,028 alleles (0.00059%); highest among the groups gnomAD compares: Non-Finnish European, 0.00079%; no homozygotes.

Submission:

Labcorp Genetics (formerly Invitae), Labcorp
Classification: Uncertain significance for Combined oxidative phosphorylation defect type 27. Last evaluated: 2020-08-07. Review status: criteria provided, single submitter. Criteria: Invitae Variant Classification Sherloc (09022015). Collection method: clinical testing. Allele origin: germline.
Comment: In summary, the available evidence is currently insufficient to determine the role of this variant in disease. Therefore, it has been classified as a Variant of Uncertain Significance. Algorithms developed to predict the effect of missense changes on protein structure and function are either unavailable or do not agree on the potential impact of this missense change (SIFT: "Deleterious"; PolyPhen-2: "Probably Damaging"; Align-GVGD: "Class C0"). This variant has not been reported in the literature in individuals with CARS2-related conditions. The frequency data for this variant in the population databases is considered unreliable, as metrics indicate insufficient coverage at this position in the ExAC database. This sequence change replaces tryptophan with cysteine at codon 42 of the CARS2 protein (p.Trp42Cys). The tryptophan residue is highly conserved and there is a large physicochemical difference between tryptophan and cysteine.